The following is an entry in ClinVar:

ClinVar aggregate classification (germline): Likely benign. Review status: criteria provided, multiple submitters, no conflicts (2 of 4 stars). 5 submissions from 5 submitters: Likely benign (5). Last evaluated 2026-02-04.

Conditions:
Marfan syndrome (MFS). Also called: MARFAN SYNDROME, TYPE I; FBN1-Related Marfan Syndrome; Marfan syndrome type 1; Marfan's syndrome; Marfan syndrome, classic. Identifiers: Orphanet 284963, Orphanet 558, MedGen C0024796, MONDO:0007947, OMIM 154700.
Familial thoracic aortic aneurysm and aortic dissection (TAAD). Also called: Thoracic aortic aneurysms and dissections. Identifiers: Orphanet 91387, MedGen C4707243, MONDO:0019625.
FBN1-related disorder. Also called: FBN1-related disorders.

Submissions (5):

Labcorp Genetics (formerly Invitae), Labcorp
Classification: Likely benign for Marfan syndrome; Familial thoracic aortic aneurysm and aortic dissection. Last evaluated: 2026-02-04. Review status: criteria provided, single submitter. Criteria: Invitae Variant Classification Sherloc (09022015). Collection method: clinical testing. Allele origin: germline.

Women's Health and Genetics/Laboratory Corporation of America, LabCorp
Classification: Likely benign. Last evaluated: 2025-08-08. Review status: criteria provided, single submitter. Criteria: LabCorp Variant Classification Summary - May 2015. Collection method: clinical testing. Allele origin: germline.
Comment: Variant summary: FBN1 c.863-10delT alters a non-conserved nucleotide located at a position not widely known to affect splicing. Consensus agreement among computation tools predict no significant impact on normal splicing. However, these predictions have yet to be confirmed by functional studies. The frequency data for this variant in gnomAD is considered unreliable, as metrics indicate poor data quality at this position. To our knowledge, no occurrence of c.863-10delT in individuals affected with Marfan Syndrome and no experimental evidence demonstrating its impact on protein function have been reported. ClinVar contains an entry for this variant (Variation ID: 418622). Based on the evidence outlined above, the variant was classified as likely benign.

PreventionGenetics, part of Exact Sciences
Classification: Likely benign for FBN1-related condition. Last evaluated: 2024-12-20. Review status: criteria provided, single submitter. Criteria: ACMG Guidelines, 2015. Collection method: clinical testing. Allele origin: germline.
Comment: This variant is classified as likely benign based on ACMG/AMP sequence variant interpretation guidelines (Richards et al. 2015 PMID: 25741868, with internal and published modifications).

Color Diagnostics, LLC DBA Color Health
Classification: Likely benign for Familial thoracic aortic aneurysm and aortic dissection. Last evaluated: 2018-10-23. Review status: criteria provided, single submitter. Criteria: ACMG Guidelines, 2015. Collection method: clinical testing. Allele origin: germline.

GeneDx
Classification: Likely benign. Last evaluated: 2017-06-21. Review status: criteria provided, single submitter. Criteria: GeneDx Variant Classification (06012015). Collection method: clinical testing. Allele origin: germline. Affected: yes.
Comment: This variant is considered likely benign or benign based on one or more of the following criteria: it is a conservative change, it occurs at a poorly conserved position in the protein, it is predicted to be benign by multiple in silico algorithms, and/or has population frequency not consistent with disease.

NM_000138.5(FBN1):c.863-10del

Gene: FBN1 (fibrillin 1; minus strand). Cytogenetic location: 15q21.1.
Variant type: Deletion.
Coding change: c.863-10del on transcript NM_000138.5 (MANE Select); 10 bases into the intron before coding-DNA position 863, one base deleted (T; older notation c.863-10delT).
Molecular consequence: intron variant.
Genome position (GRCh38, 1-based): chr15:48,526,265, A deleted on the plus strand (T on the coding strand, the reverse complement: FBN1 is on the minus strand); the first of 8 consecutive A bases (chr15:48,526,265-48,526,272); deleting any one gives the same sequence. VCF-style (leftmost placement, unchanged base first): chr15-48526264-TA-T. GRCh37 (hg19) VCF-style: chr15-48818461-TA-T.
Other names: c.863-10delT (NM_000138.4, NM_000138.5).
Identifiers: ClinVar variation 418622 (VCV000418622.16), dbSNP rs748672558, ClinGen allele CA7547944.
Genomic context (GRCh38, chr15:48,526,264, plus strand): 5'-GTACATTCACCCCCTTCACAGATTCCAGGAATGGTGCTGCATTCATCAATATCTGGAATA[TA>T]AAAAAAAGAATCTCAGCATTTGTAGAACACAATATAAAACCATTCGTCAGTAGAAGGACT-3'